The following is an entry in ClinVar:

NM_000444.6(PHEX):c.436+5G>T

Gene: PHEX (phosphate regulating endopeptidase X-linked; plus strand). Cytogenetic location: Xp22.11.
Variant type: single nucleotide variant.
Coding change: c.436+5G>T on transcript NM_000444.6 (MANE Select); 5 bases into the intron after coding-DNA position 436, G replaced by T.
Molecular consequence: intron variant.
Genome position (GRCh38, 1-based): chrX:22,076,479, G>T. VCF-style: chrX-22076479-G-T. GRCh37 (hg19) VCF-style: chrX-22094597-G-T.
Other names: c.436+5G>T (NM_001282754.2).
Identifiers: ClinVar variation 803742 (VCV000803742.3), dbSNP rs1602273945, ClinGen allele CA915950842.
Genomic context (GRCh38, chrX:22,076,479, plus strand): 5'-GGACACCGAAGCCATACAGAAAGCCAAAATCCTTTATTCATCCTGCATGAATGAGAGTGA[G>T]TGATGAAGAAAACTAAATAAAATATTTACCATCCCTATCCTTTAGAGTTCTATTAATGTT-3'

ClinVar aggregate classification (germline): Conflicting classifications of pathogenicity. Review status: criteria provided, conflicting classifications (1 of 4 stars). 2 submissions from 2 submitters: Likely pathogenic (1); Uncertain significance (1). Last evaluated 2024-02-03.

Conditions:
Familial X-linked hypophosphatemic vitamin D refractory rickets (XLHRD). Also called: HYPOPHOSPHATEMIC VITAMIN D-RESISTANT RICKETS; Hypophosphatemia, vitamin D-resistant rickets; Vitamin D-resistant rickets, X-linked; X-Linked Hypophosphatemia; Hypophosphatemic Rickets, X-Linked Dominant. Identifiers: Orphanet 89936, MedGen C0733682, MONDO:0010619, OMIM 307800.

Submissions (2):

Labcorp Genetics (formerly Invitae), Labcorp
Classification: Uncertain significance. Last evaluated: 2024-02-03. Review status: criteria provided, single submitter. Criteria: Invitae Variant Classification Sherloc (09022015). Collection method: clinical testing. Allele origin: germline.
Comment: This sequence change falls in intron 4 of the PHEX gene. It does not directly change the encoded amino acid sequence of the PHEX protein. It affects a nucleotide within the consensus splice site. This variant is not present in population databases (gnomAD no frequency). This variant has been observed in individual(s) with hypophosphatemic rickets (Invitae). ClinVar contains an entry for this variant (Variation ID: 803742). Variants that disrupt the consensus splice site are a relatively common cause of aberrant splicing (PMID: 17576681, 9536098). Algorithms developed to predict the effect of sequence changes on RNA splicing suggest that this variant may disrupt the consensus splice site. This variant disrupts the c.436+5G nucleotide in the PHEX gene. Other variant(s) that disrupt this nucleotide have been determined to be pathogenic (PMID: 34434907; Invitae). This suggests that this nucleotide is clinically significant, and that variants that disrupt this position are likely to be disease-causing. In summary, the available evidence is currently insufficient to determine the role of this variant in disease. Therefore, it has been classified as a Variant of Uncertain Significance.

Mendelics
Classification: Likely pathogenic for Familial X-linked hypophosphatemic vitamin D refractory rickets. Last evaluated: 2019-05-28. Review status: criteria provided, single submitter. Criteria: Mendelics Assertion Criteria 2017. Collection method: clinical testing. Allele origin: unknown.

Literature cited by the submitters: PubMed 17576681 (cited by Labcorp Genetics (formerly Invitae), Labcorp); PubMed 9536098 (cited by Labcorp Genetics (formerly Invitae), Labcorp); PubMed 34434907 (cited by Labcorp Genetics (formerly Invitae), Labcorp).